The following is an entry in ClinVar:

ClinVar aggregate classification (germline): Benign. Review status: criteria provided, multiple submitters, no conflicts (2 of 4 stars). 4 submissions from 4 submitters: Benign (4). Last evaluated 2021-07-14.

Conditions:
Microcephaly 5, primary, autosomal recessive (MCPH5). Also called: ASPM Primary Microcephaly. Identifiers: Orphanet 2512, MedGen C1837501, MONDO:0012106, OMIM 608716.

Allele frequency attached by ClinVar (database versions not stated): TOPMed 0.76527; 1000 Genomes Project 30x 0.76952; gnomAD 0.77214 and 0.78281; 1000 Genomes Project 0.78235.
gnomAD v4.1: 908,844 of 1,029,454 alleles (88%); highest among the groups gnomAD compares: East Asian, 100%; 408,003 homozygotes.

Submissions (4):

Genome-Nilou Lab
Classification: Benign for Microcephaly 5, primary, autosomal recessive. Last evaluated: 2021-07-14. Review status: criteria provided, single submitter. Criteria: ACMG Guidelines, 2015. Collection method: clinical testing. Allele origin: germline. Affected: no.

GeneDx
Classification: Benign. Last evaluated: 2018-06-19. Review status: criteria provided, single submitter. Criteria: GeneDx Variant Classification Process June 2021. Collection method: clinical testing. Allele origin: germline. Affected: yes.

Illumina Laboratory Services, Illumina
Classification: Benign for Microcephaly 5, primary, autosomal recessive. Last evaluated: 2018-01-13. Review status: criteria provided, single submitter. Criteria: ICSL Variant Classification Criteria 13 December 2019. Collection method: clinical testing. Allele origin: germline.
Comment: This variant was observed in the ICSL laboratory as part of a predisposition screen in an ostensibly healthy population. It had not been previously curated by ICSL or reported in the Human Gene Mutation Database (HGMD: prior to June 1st, 2018), and was therefore a candidate for classification through an automated scoring system. Utilizing variant allele frequency, disease prevalence and penetrance estimates, and inheritance mode, an automated score was calculated to assess if this variant is too frequent to cause the disease. Based on the score and internal cut-off values, a variant classified as benign is not then subjected to further curation. The score for this variant resulted in a classification of benign for this disease.

Breakthrough Genomics
Classification: Benign. Review status: criteria provided, single submitter. Criteria: ACMG Guidelines, 2015. Collection method: not provided. Allele origin: germline. Inheritance: Autosomal recessive inheritance. Affected: yes.

NM_018136.5(ASPM):c.*81C>T

Gene: ASPM (assembly factor for spindle microtubules; minus strand). Cytogenetic location: 1q31.3.
Variant type: single nucleotide variant.
Coding change: c.*81C>T on transcript NM_018136.5 (MANE Select); 81 bases downstream of the stop codon, C replaced by T.
Molecular consequence: 3 prime UTR variant.
Genome position (GRCh38, 1-based): chr1:197,084,243, G>A on the plus strand (C>T on the coding strand, the complement: ASPM is on the minus strand). VCF-style: chr1-197084243-G-A. GRCh37 (hg19) VCF-style: chr1-197053373-G-A.
Other names: c.*81C>T (NM_001206846.2).
Identifiers: ClinVar variation 294591 (VCV000294591.10), dbSNP rs12677, ClinGen allele CA10608697.